The following is an entry in ClinVar:

NM_144643.4(SCLT1):c.1524T>C (p.Leu508=)

Gene: SCLT1 (sodium channel and clathrin linker 1; minus strand). Cytogenetic location: 4q28.2.
Variant type: single nucleotide variant.
Coding change: c.1524T>C on transcript NM_144643.4 (MANE Select); coding-DNA position 1524, T replaced by C.
Protein change: p.Leu508=; no amino-acid change (leucine 508 retained).
Molecular consequence: synonymous variant. On other transcripts: intron variant (1).
Genome position (GRCh38, 1-based): chr4:128,943,104, A>G on the plus strand (T>C on the coding strand, the complement: SCLT1 is on the minus strand). VCF-style: chr4-128943104-A-G. GRCh37 (hg19) VCF-style: chr4-129864259-A-G.
Other names: c.1524T>C (NM_144643.3); c.1439+2903T>C (NM_001410807.1).
Identifiers: ClinVar variation 2831319 (VCV002831319.4), dbSNP rs2530334420, ClinGen allele CA441228065.

ClinVar aggregate classification (germline): Likely benign. Review status: criteria provided, multiple submitters, no conflicts (2 of 4 stars). 2 submissions from 2 submitters: Likely benign (2). Last evaluated 2026-07-29.

Conditions:
SCLT1-related disorder. Also called: SCLT1-related condition.

Submissions (2):

PreventionGenetics, part of Exact Sciences
Classification: Likely benign for SCLT1-related condition. Last evaluated: 2026-07-29. Review status: criteria provided, single submitter. Criteria: ACMG Guidelines, 2015. Collection method: clinical testing. Allele origin: germline.
Comment: This variant is classified as likely benign based on ACMG/AMP sequence variant interpretation guidelines (Richards et al. 2015 PMID: 25741868, with internal and published modifications).

Labcorp Genetics (formerly Invitae), Labcorp
Classification: Likely benign. Last evaluated: 2023-01-23. Review status: criteria provided, single submitter. Criteria: Invitae Variant Classification Sherloc (09022015). Collection method: clinical testing. Allele origin: germline.